The following is an entry in ClinVar:

NM_004415.4(DSP):c.273del (p.Glu92fs)

Gene: DSP (desmoplakin; plus strand). Cytogenetic location: 6p24.3.
Variant type: Deletion.
Coding change: c.273del on transcript NM_004415.4 (MANE Select); coding-DNA position 273, one base deleted (T; older notation c.273delT).
Protein change: p.Glu92fs; shifts the reading frame from glutamic acid 92.
Molecular consequence: frameshift variant.
Genome position (GRCh38, 1-based): chr6:7,555,820, T deleted. VCF-style (leftmost placement, unchanged base first): chr6-7555819-CT-C. GRCh37 (hg19) VCF-style: chr6-7556052-CT-C.
Other names: c.273del (LRG_423t1); c.273del, p.Glu92fs (NM_001008844.3, NM_001319034.2); short protein forms E92fs.
Identifiers: ClinVar variation 199915 (VCV000199915.5), dbSNP rs794728136, ClinGen allele CA005554.

ClinVar aggregate classification (germline): Pathogenic/Likely pathogenic. Review status: criteria provided, multiple submitters, no conflicts (2 of 4 stars). 2 submissions from 2 submitters: Pathogenic (1); Likely pathogenic (1). Last evaluated 2016-09-20.

Conditions:
Primary dilated cardiomyopathy (DCM). Also called: Dilated Cardiomyopathy. Identifiers: Orphanet 217604, MedGen C0007193, MeSH D002311, MONDO:0005021, HP:0001644. Inheritance: Various modes of inheritance.
Arrhythmogenic right ventricular cardiomyopathy (ARVD). Also called: Arrhythmogenic cardiomyopathy; Arrhythmogenic Right Ventricular Cardiomyopathy (ARVC); Cardiomyopathy, ARVC; Arrhythmogenic right ventricular dysplasia. Identifiers: Orphanet 247, MedGen C0349788, MeSH D019571, MONDO:0016587. Disease mechanism: loss of function. Inheritance: Various modes of inheritance.

Submissions (2):

Laboratory for Molecular Medicine, Mass General Brigham Personalized Medicine
Classification: Likely pathogenic for Arrhythmogenic right ventricular cardiomyopathy; Primary dilated cardiomyopathy. Last evaluated: 2016-09-20. Review status: criteria provided, single submitter. Criteria: LMM Criteria. Collection method: clinical testing. Allele origin: germline. Inheritance: Autosomal dominant inheritance. Observed: 1 variant allele.
Comment: The p.Glu92fs variant in DSP has not been previously reported in individuals wit h cardiomyopathy, and was absent from large population studies. This variant is predicted to cause a frameshift, which alters the protein?s amino acid sequence beginning at position 92 and leads to a premature termination codon 2 amino acid s downstream. This alteration is then predicted to lead to a truncated or absent protein. Heterozygous loss of function of the DSP gene is an established diseas e mechanism in individuals with ARVC and/or DCM. In summary, although additional studies are required to fully establish its clinical significance, the p.Glu92f s variant is likely pathogenic.

GeneDx
Classification: Pathogenic. Last evaluated: 2014-06-23. Review status: criteria provided, single submitter. Criteria: GeneDx Variant Classification (06012015). Collection method: clinical testing. Allele origin: germline. Affected: yes.
Comment: Although the c.273delT mutation in the DSP gene has not been reported to our knowledge, this mutation causes a shift in reading frame starting at codon Glutamic acid 92, changing it to an Asparagine, and creating a premature stop codon at position 2 of the new reading frame, denoted p.Glu92AsnfsX2. This mutation is expected to result in either an abnormal, truncated protein product or loss of protein from this allele through nonsense-mediated mRNA decay. Other frameshift mutations in the DSP gene have been reported in association with cardiomyopathy. In summary, c.273delT in the DSP gene is interpreted as a disease-causing mutation.